The following is an entry in ClinVar:

ClinVar aggregate classification (germline): Uncertain significance (1 of 4 stars; one submission).

Submission:

Dasa
Classification: Uncertain significance. Last evaluated: 2026-05-26. Review status: criteria provided, single submitter. Criteria: DASA Assertion Criteria. Collection method: clinical testing. Allele origin: germline.
Comment: NM_000155.4(GALT):c.136G>T (p.Ala46Ser) is a missense variant that results in the substitution of alanine with serine. The affected residue or protein region has prior evidence supporting clinical relevance. This variant is rare in population databases. Computational prediction algorithms are consistent with a deleterious effect. The currently available literature and clinical evidence are not sufficient to establish a definitive association between this variant and the reported condition. Therefore, this variant is classified as a variant of uncertain significance.

NM_000155.4(GALT):c.136G>T (p.Ala46Ser)

Genes: GALT (galactose-1-phosphate uridylyltransferase; plus strand), LOC130001683 (ATAC-STARR-seq lymphoblastoid active region 28314; plus strand). Cytogenetic location: 9p13.3.
Variant type: single nucleotide variant.
Coding change: c.136G>T on transcript NM_000155.4 (MANE Select); coding-DNA position 136, G replaced by T.
Protein change: p.Ala46Ser; replaces alanine 46 with serine.
Molecular consequence: missense variant. On other transcripts: 5 prime UTR variant (1).
Genome position (GRCh38, 1-based): chr9:34,647,142, G>T. VCF-style: chr9-34647142-G-T. GRCh37 (hg19) VCF-style: chr9-34647139-G-T.
Other names: c.-67G>T (NM_001258332.2); short protein forms A46S.
Identifiers: ClinVar variation 5020479 (VCV005020479.1).